The following is an entry in ClinVar:

NM_004564.3(GATB):c.718C>T (p.Gln240Ter)

Gene: GATB (glutamyl-tRNA amidotransferase subunit B; minus strand). Cytogenetic location: 4q31.3.
Variant type: single nucleotide variant.
Coding change: c.718C>T on transcript NM_004564.3 (MANE Select); coding-DNA position 718, C replaced by T.
Protein change: p.Gln240Ter; replaces glutamine 240 with a stop codon.
Molecular consequence: nonsense.
Genome position (GRCh38, 1-based): chr4:151,716,054, G>A on the plus strand (C>T on the coding strand, the complement: GATB is on the minus strand). VCF-style: chr4-151716054-G-A. GRCh37 (hg19) VCF-style: chr4-152637206-G-A.
Other names: c.718C>T, p.Gln240Ter (NM_001363341.2); short protein forms Q240*.
Identifiers: ClinVar variation 2655129 (VCV002655129.25), dbSNP rs1738906319, ClinGen allele CA358448899.

ClinVar aggregate classification (germline): Conflicting classifications of pathogenicity. Review status: criteria provided, conflicting classifications (1 of 4 stars). 2 submissions from 2 submitters: Likely pathogenic (1); Uncertain significance (1). Last evaluated 2025-03-27.

Conditions:
Combined oxidative phosphorylation deficiency 41. Identifiers: MedGen C5394236, MONDO:0030007, OMIM 618838.

Allele frequency attached by ClinVar (database versions not stated): TOPMed below 0.00001.
gnomAD v4.1: 1 of 1,614,010 alleles (0.000062%); highest among the groups gnomAD compares: Non-Finnish European, 0.000085%; no homozygotes.

Submissions (2):

First Genomix Gene Laboratory, Genetic Diagnostics Department
Classification: Likely pathogenic for Combined oxidative phosphorylation deficiency 41. Last evaluated: 2025-03-27. Review status: criteria provided, single submitter. Criteria: ACMG Guidelines, 2015. Collection method: clinical testing. Allele origin: germline. Inheritance: Autosomal recessive inheritance. Affected: no. Observed: 1 variant allele.

CeGaT Center for Human Genetics Tuebingen
Classification: Uncertain significance. Last evaluated: 2022-05-01. Review status: criteria provided, single submitter. Criteria: CeGaT Center For Human Genetics Tuebingen Variant Classification Criteria Version 2. Collection method: clinical testing. Allele origin: germline. Affected: yes. Observed: 1 variant allele.
Comment: GATB: PM2